The following is an entry in ClinVar:

ClinVar aggregate classification (germline): Uncertain significance (1 of 4 stars; one submission).

Conditions:
Primary ciliary dyskinesia. Also called: Ciliary dyskinesia. Identifiers: Orphanet 244, MedGen C0008780, MONDO:0016575, HP:0012265.

Allele frequency attached by ClinVar (database versions not stated): TOPMed below 0.00001; gnomAD 0.00001.
gnomAD v4.1: 1 of 1,601,146 alleles (0.000062%); highest among the groups gnomAD compares: Non-Finnish European, 0.000085%; no homozygotes.

Submission:

Ambry Genetics
Classification: Uncertain significance for Primary ciliary dyskinesia. Last evaluated: 2023-01-12. Review status: criteria provided, single submitter. Criteria: Ambry Variant Classification Scheme 2023. Collection method: clinical testing. Allele origin: germline.
Comment: The p.V401A variant (also known as c.1202T>C), located in coding exon 10 of the CCDC39 gene, results from a T to C substitution at nucleotide position 1202. The valine at codon 401 is replaced by alanine, an amino acid with similar properties. This amino acid position is conserved. In addition, this alteration is predicted to be tolerated by in silico analysis. Since supporting evidence is limited at this time, the clinical significance of this alteration remains unclear.

NM_181426.2(CCDC39):c.1202T>C (p.Val401Ala)

Gene: CCDC39 (coiled-coil domain 39 molecular ruler complex subunit; minus strand). Cytogenetic location: 3q26.33.
Variant type: single nucleotide variant.
Coding change: c.1202T>C on transcript NM_181426.2 (MANE Select); coding-DNA position 1202, T replaced by C.
Protein change: p.Val401Ala; replaces valine 401 with alanine.
Molecular consequence: missense variant.
Genome position (GRCh38, 1-based): chr3:180,648,325, A>G on the plus strand (T>C on the coding strand, the complement: CCDC39 is on the minus strand). VCF-style: chr3-180648325-A-G. GRCh37 (hg19) VCF-style: chr3-180366113-A-G.
Other names: short protein forms V401A.
Identifiers: ClinVar variation 2449414 (VCV002449414.2), dbSNP rs1456811903, ClinGen allele CA355310978.